The following is an entry in ClinVar:

NM_033380.3(COL4A5):c.3553+1G>T

Gene: COL4A5 (collagen type IV alpha 5 chain; plus strand). Cytogenetic location: Xq22.3.
Variant type: single nucleotide variant.
Coding change: c.3553+1G>T on transcript NM_033380.3 (MANE Select); the canonical splice donor site of the intron after coding-DNA position 3553, G replaced by T.
Molecular consequence: splice donor variant.
Genome position (GRCh38, 1-based): chrX:108,666,595, G>T. VCF-style: chrX-108666595-G-T. GRCh37 (hg19) VCF-style: chrX-107909825-G-T.
Other names: c.3553+1G>T (NM_000495.5).
Identifiers: ClinVar variation 3375378 (VCV003375378.1).

ClinVar aggregate classification (germline): Likely pathogenic (1 of 4 stars; one submission).

Conditions:
X-linked Alport syndrome (ATS1). Also called: NEPHROPATHY AND DEAFNESS, X-LINKED; COL4A5-Related Nephropathy. Identifiers: Orphanet 63, Orphanet 88917, MedGen C4746986, MONDO:0010520, OMIM 301050.

Submission:

Women's Health and Genetics/Laboratory Corporation of America, LabCorp
Classification: Likely pathogenic for X-linked Alport syndrome. Last evaluated: 2024-09-19. Review status: criteria provided, single submitter. Criteria: LabCorp Variant Classification Summary - May 2015. Collection method: clinical testing. Allele origin: germline.
Comment: Variant summary: COL4A5 c.3553+1G>T is located in a canonical splice-site and is predicted to affect mRNA splicing resulting in a significantly altered protein due to either exon skipping, shortening, or inclusion of intronic material. Variants that disrupt the consensus splice site are a relatively common cause of aberrant splicing and loss of COL4A5 function. Computational tools predict a significant impact on normal splicing: Two predict the variant abolishes a canonical 5' splicing donor site. However, these predictions have yet to be confirmed by functional studies. The variant was absent in 159615 control chromosomes (gnomAD). To our knowledge, no occurrence of c.3553+1G>T in individuals affected with Alport Syndrome 1, X-Linked Recessive and no experimental evidence demonstrating its impact on protein function have been reported. No submitters have cited clinical-significance assessments for this variant to ClinVar. Based on the evidence outlined above, the variant was classified as likely pathogenic.